The following is an entry in ClinVar:

ClinVar aggregate classification (germline): Uncertain significance (1 of 4 stars; one submission).

Allele frequency attached by ClinVar (database versions not stated): gnomAD exomes below 0.00001.
gnomAD v4.1: 1 of 1,612,090 alleles (0.000062%); highest among the groups gnomAD compares: Non-Finnish European, 0.000085%; no homozygotes.

Submission:

GeneDx
Classification: Uncertain significance. Last evaluated: 2021-04-14. Review status: criteria provided, single submitter. Criteria: GeneDx Variant Classification Process June 2021. Collection method: clinical testing. Allele origin: germline. Affected: yes.
Comment: Not observed in large population cohorts (Lek et al., 2016); In silico analysis supports that this missense variant does not alter protein structure/function; Has not been previously published as pathogenic or benign to our knowledge

NM_003482.4(KMT2D):c.3229A>G (p.Lys1077Glu)

Gene: KMT2D (lysine methyltransferase 2D; minus strand). Cytogenetic location: 12q13.12.
Variant type: single nucleotide variant.
Coding change: c.3229A>G on transcript NM_003482.4 (MANE Select); coding-DNA position 3229, A replaced by G.
Protein change: p.Lys1077Glu; replaces lysine 1077 with glutamic acid.
Molecular consequence: missense variant.
Genome position (GRCh38, 1-based): chr12:49,050,359, T>C on the plus strand (A>G on the coding strand, the complement: KMT2D is on the minus strand). VCF-style: chr12-49050359-T-C. GRCh37 (hg19) VCF-style: chr12-49444142-T-C.
Other names: short protein forms K1077E.
Identifiers: ClinVar variation 1314570 (VCV001314570.2), dbSNP rs1008261796, ClinGen allele CA236617994.